The following is an entry in ClinVar:

NM_000038.6(APC):c.6260A>T (p.Asp2087Val)

Gene: APC (APC regulator of Wnt signaling pathway; plus strand). Cytogenetic location: 5q22.2.
Variant type: single nucleotide variant.
Coding change: c.6260A>T on transcript NM_000038.6 (MANE Select); coding-DNA position 6260, A replaced by T.
Protein change: p.Asp2087Val; replaces aspartic acid 2087 with valine.
Molecular consequence: missense variant.
Genome position (GRCh38, 1-based): chr5:112,841,854, A>T. VCF-style: chr5-112841854-A-T. GRCh37 (hg19) VCF-style: chr5-112177551-A-T.
Other names: c.6260A>T, p.Asp2087Val (NM_001127510.3, NM_001354895.2); c.6206A>T, p.Asp2069Val (NM_001127511.3); c.6314A>T, p.Asp2105Val (NM_001354896.2); c.6290A>T, p.Asp2097Val (NM_001354897.2); c.6185A>T, p.Asp2062Val (NM_001354898.2); c.6176A>T, p.Asp2059Val (NM_001354899.2); c.6137A>T, p.Asp2046Val (NM_001354900.2); c.6083A>T, p.Asp2028Val (NM_001354901.2); and 5 more; short protein forms D1927V, D1961V, D1996V, D2028V, D2046V, D2059V, D2097V, D1986V.
Identifiers: ClinVar variation 1380938 (VCV001380938.6), dbSNP rs2149960886, ClinGen allele CA16035039.

ClinVar aggregate classification (germline): Uncertain significance (1 of 4 stars; one submission).

Conditions:
Familial adenomatous polyposis 1 (FAP1). Also called: POLYPOSIS, ADENOMATOUS INTESTINAL; FAMILIAL ADENOMATOUS POLYPOSIS 1, ATTENUATED. Identifiers: MedGen C2713442, MONDO:0021056, OMIM 175100. Disease mechanism: loss of function.

Submission:

Labcorp Genetics (formerly Invitae), Labcorp
Classification: Uncertain significance for Familial adenomatous polyposis 1. Last evaluated: 2021-09-14. Review status: criteria provided, single submitter. Criteria: Invitae Variant Classification Sherloc (09022015). Collection method: clinical testing. Allele origin: germline.
Comment: This sequence change replaces aspartic acid with valine at codon 2087 of the APC protein (p.Asp2087Val). The aspartic acid residue is highly conserved and there is a large physicochemical difference between aspartic acid and valine. This variant is not present in population databases (ExAC no frequency). This variant has not been reported in the literature in individuals affected with APC-related conditions. Algorithms developed to predict the effect of missense changes on protein structure and function are either unavailable or do not agree on the potential impact of this missense change (SIFT: "Deleterious"; PolyPhen-2: "Benign"; Align-GVGD: "Class C0"). In summary, the available evidence is currently insufficient to determine the role of this variant in disease. Therefore, it has been classified as a Variant of Uncertain Significance.